The following is an entry in ClinVar:

NC_000023.10:g.(32591964_32613873)_(32867938_33038255)del

Gene: DMD (dystrophin; minus strand). Cytogenetic location: Xp21.1.
Variant type: Deletion.
Identifiers: ClinVar variation 4848244 (VCV004848244.1).

ClinVar aggregate classification (germline): Pathogenic (1 of 4 stars; one submission).

Conditions:
Neuromuscular disease caused by qualitative or quantitative defects of dystrophin. Also called: Qualitative or quantitative defects of dystrophin. Identifiers: Orphanet 207085, MedGen C5679787, MONDO:0016147.

Submission:

Women's Health and Genetics/Laboratory Corporation of America, LabCorp
Classification: Pathogenic for Neuromuscular disease caused by qualitative or quantitative defects of dystrophin. Last evaluated: 2026-02-18. Review status: criteria provided, single submitter. Criteria: LabCorp Variant Classification Summary - May 2015. Collection method: clinical testing. Allele origin: germline.
Comment: Variant summary: The variant involves the deletion of exons 3-13 in the DMD gene. A presumed nomenclature of c.(93+1_94-1)_(1602+1_1603-1)del has been designated for the purposes of this classification. This Copy Number Variant (CNV) is predicted to result in an in-frame deletion within this gene. Loss-of-function variants in this gene are known to be pathogenic. The variant was absent in 16111 control chromosomes. c.(93+1_94-1)_(1602+1_1603-1)del has been observed in multiple individuals affected with Duchenne Muscular Dystrophy or Becker Muscular Dystrophy (e.g. Muntoni_1994, Dastur_2008, Lim_2011, Ling_2020, Sawahreh_2025). These data indicate that the variant is very likely to be associated with disease. To our knowledge, no experimental evidence demonstrating an impact on protein function has been reported. The following publications have been ascertained in the context of this evaluation (PMID: 31705731, 21969337, 18974567, 7853367, 40822690). ClinVar contains an entry for this variant (Variation ID: 2424906). Based on the evidence outlined above, the variant was classified as pathogenic.

Literature cited by the submitters: PubMed 31705731; PubMed 21969337; PubMed 18974567; PubMed 7853367; PubMed 40822690.